The following is an entry in ClinVar:

NM_032242.4(PLXNA1):c.1206C>T (p.Ile402=)

Gene: PLXNA1 (plexin A1; plus strand). Cytogenetic location: 3q21.3.
Variant type: single nucleotide variant.
Coding change: c.1206C>T on transcript NM_032242.4 (MANE Select); coding-DNA position 1206, C replaced by T.
Protein change: p.Ile402=; no amino-acid change (isoleucine 402 retained).
Molecular consequence: synonymous variant.
Genome position (GRCh38, 1-based): chr3:126,991,395, C>T. VCF-style: chr3-126991395-C-T. GRCh37 (hg19) VCF-style: chr3-126710238-C-T.
Identifiers: ClinVar variation 3351923 (VCV003351923.1).
Genomic context (GRCh38, chr3:126,991,395, plus strand): 5'-CCGGGAGAAGGTGCCCGGGGAGTGGCTCTCACCCTGCCCCTTCCCACAGCCCCTGCAGAT[C>T]GATGACGACTTCTGCGGGCAGGACTTCAACCAGCCCCTGGGGGGCACAGTCACCATTGAG-3'
Protein context (NP_115618.3, residues 392-412): ELGCINSPLQ[Ile402=]DDDFCGQDFN

ClinVar aggregate classification (germline): Likely benign (0 of 4 stars; one submission).

Conditions:
PLXNA1-related disorder. Also called: PLXNA1-related condition.

gnomAD v4.1: 6 of 1,612,716 alleles (0.00037%); highest among the groups gnomAD compares: African/African-American, 0.0013%; no homozygotes.

Submission:

PreventionGenetics, part of Exact Sciences
Classification: Likely benign for PLXNA1-related condition. Last evaluated: 2022-04-24. Review status: no assertion criteria provided. Collection method: clinical testing. Allele origin: germline.
Comment: This variant is classified as likely benign based on ACMG/AMP sequence variant interpretation guidelines (Richards et al. 2015 PMID: 25741868, with internal and published modifications).